The following is an entry in ClinVar:

ClinVar aggregate classification (germline): Pathogenic (1 of 4 stars; one submission).

Conditions:
RYR1-related disorder. Also called: RYR1-related condition; RYR1-related disorders. Identifiers: MedGen CN239331.

gnomAD v4.1: 2 of 1,613,662 alleles (0.00012%); highest among the groups gnomAD compares: South Asian, 0.0011%; no homozygotes.

Submission:

Labcorp Genetics (formerly Invitae), Labcorp
Classification: Pathogenic for RYR1-related disorder. Last evaluated: 2023-10-18. Review status: criteria provided, single submitter. Criteria: Invitae Variant Classification Sherloc (09022015). Collection method: clinical testing. Allele origin: germline.
Comment: This sequence change creates a premature translational stop signal (p.Glu3776*) in the RYR1 gene. It is expected to result in an absent or disrupted protein product. Loss-of-function variants in RYR1 are known to be pathogenic (PMID: 23919265, 25960145, 28818389, 30611313). This variant is not present in population databases (gnomAD no frequency). This variant has not been reported in the literature in individuals affected with RYR1-related conditions. For these reasons, this variant has been classified as Pathogenic.

Literature cited by the submitters: PubMed 23919265; PubMed 25960145; PubMed 28818389; PubMed 30611313.

NM_000540.3(RYR1):c.11326G>T (p.Glu3776Ter)

Gene: RYR1 (ryanodine receptor 1; plus strand). Cytogenetic location: 19q13.2.
Variant type: single nucleotide variant.
Coding change: c.11326G>T on transcript NM_000540.3 (MANE Select); coding-DNA position 11326, G replaced by T.
Protein change: p.Glu3776Ter; replaces glutamic acid 3776 with a stop codon.
Molecular consequence: nonsense.
Genome position (GRCh38, 1-based): chr19:38,534,786, G>T. VCF-style: chr19-38534786-G-T. GRCh37 (hg19) VCF-style: chr19-39025426-G-T.
Other names: c.11311G>T, p.Glu3771Ter (NM_001042723.2); short protein forms E3776*, E3771*.
Identifiers: ClinVar variation 2968926 (VCV002968926.3), dbSNP rs1971893048, ClinGen allele CA405654754.
Genomic context (GRCh38, chr19:38,534,786, plus strand): 5'-CAGATGGAGAAGCAGAGGCTCTTGTACCAGCAAGCACGGCTGCACACCCGGGGGGCGGCC[G>T]AGATGGTGCTGCAGATGATCAGTGCCTGCAAAGGTGCCCCTCACATGTGCACTGGACTCT-3'